The following is an entry in ClinVar:

ClinVar aggregate classification (germline): Uncertain significance. Review status: criteria provided, multiple submitters, no conflicts (2 of 4 stars). 2 submissions from 2 submitters: Uncertain significance (2). Last evaluated 2024-12-05.

Conditions:
Alzheimer disease. Also called: Presenile and senile dementia; Alzheimer's disease. Identifiers: Orphanet 1020, MedGen C0002395, MeSH D000544, MONDO:0004975, HP:0002511.

gnomAD v4.1: 1 of 1,614,058 alleles (0.000062%); highest among the groups gnomAD compares: African/African-American, 0.0013%; no homozygotes.

Submissions (2):

Women's Health and Genetics/Laboratory Corporation of America, LabCorp
Classification: Uncertain significance. Last evaluated: 2024-12-05. Review status: criteria provided, single submitter. Criteria: LabCorp Variant Classification Summary - May 2015. Collection method: clinical testing. Allele origin: germline.
Comment: Variant summary: APP c.1717T>C (p.Ser573Pro) results in a non-conservative amino acid change in the encoded protein sequence. Three of five in-silico tools predict a damaging effect of the variant on protein function. The variant was absent in 251414 control chromosomes. The available data on variant occurrences in the general population are insufficient to allow any conclusion about variant significance. To our knowledge, no occurrence of c.1717T>C in individuals affected with Cerebral Amyloid Angiopathy, APP-Related and no experimental evidence demonstrating its impact on protein function have been reported. No submitters have cited clinical-significance assessments for this variant to ClinVar. Based on the evidence outlined above, the variant was classified as uncertain significance.

Labcorp Genetics (formerly Invitae), Labcorp
Classification: Uncertain significance for Alzheimer disease. Last evaluated: 2024-08-29. Review status: criteria provided, single submitter. Criteria: Invitae Variant Classification Sherloc (09022015). Collection method: clinical testing. Allele origin: germline.
Comment: This sequence change replaces serine, which is neutral and polar, with proline, which is neutral and non-polar, at codon 573 of the APP protein (p.Ser573Pro). This variant is not present in population databases (gnomAD no frequency). This variant has not been reported in the literature in individuals affected with APP-related conditions. Invitae Evidence Modeling of protein sequence and biophysical properties (such as structural, functional, and spatial information, amino acid conservation, physicochemical variation, residue mobility, and thermodynamic stability) indicates that this missense variant is not expected to disrupt APP protein function with a negative predictive value of 95%. In summary, the available evidence is currently insufficient to determine the role of this variant in disease. Therefore, it has been classified as a Variant of Uncertain Significance.

NM_000484.4(APP):c.1717T>C (p.Ser573Pro)

Gene: APP (amyloid beta precursor protein; minus strand). Cytogenetic location: 21q21.3.
Variant type: single nucleotide variant.
Coding change: c.1717T>C on transcript NM_000484.4 (MANE Select); coding-DNA position 1717, T replaced by C.
Protein change: p.Ser573Pro; replaces serine 573 with proline.
Molecular consequence: missense variant.
Genome position (GRCh38, 1-based): chr21:25,911,933, A>G on the plus strand (T>C on the coding strand, the complement: APP is on the minus strand). VCF-style: chr21-25911933-A-G. GRCh37 (hg19) VCF-style: chr21-27284245-A-G.
Other names: c.1645T>C, p.Ser549Pro (NM_001136016.3); c.1324T>C, p.Ser442Pro (NM_001136129.3); c.1549T>C, p.Ser517Pro (NM_001136130.3, NM_001385253.1); c.1387T>C, p.Ser463Pro (NM_001136131.3); c.1717T>C, p.Ser573Pro (NM_001204301.2); c.1660T>C, p.Ser554Pro (NM_001204302.2, NM_201413.3); c.1492T>C, p.Ser498Pro (NM_001204303.2, NM_201414.3); short protein forms S442P, S498P, S463P, S517P, S573P, S549P, S554P.
Identifiers: ClinVar variation 3730532 (VCV003730532.3).